The following is an entry in ClinVar:

ClinVar aggregate classification (germline): Uncertain significance (1 of 4 stars; one submission).

Allele frequency attached by ClinVar (database versions not stated): gnomAD exomes below 0.00001; gnomAD 0.00001; TOPMed 0.00002.

Submission:

Labcorp Genetics (formerly Invitae), Labcorp
Classification: Uncertain significance. Last evaluated: 2025-11-11. Review status: criteria provided, single submitter. Criteria: Invitae Variant Classification Sherloc (09022015). Collection method: clinical testing. Allele origin: germline.
Comment: This sequence change replaces arginine, which is basic and polar, with glutamine, which is neutral and polar, at codon 73 of the OAS1 protein (p.Arg73Gln). This variant is present in population databases (no rsID available, gnomAD 0.006%). This variant has not been reported in the literature in individuals affected with OAS1-related conditions. ClinVar contains an entry for this variant (Variation ID: 1491397). An algorithm developed to predict the effect of missense changes on protein structure and function outputs the following: PolyPhen-2: "Benign". The glutamine amino acid residue is found in multiple mammalian species, which suggests that this missense change does not adversely affect protein function. In summary, the available evidence is currently insufficient to determine the role of this variant in disease. Therefore, it has been classified as a Variant of Uncertain Significance.

NM_016816.4(OAS1):c.218G>A (p.Arg73Gln)

Gene: OAS1 (2'-5'-oligoadenylate synthetase 1; plus strand). Cytogenetic location: 12q24.13.
Variant type: single nucleotide variant.
Coding change: c.218G>A on transcript NM_016816.4 (MANE Select); coding-DNA position 218, G replaced by A.
Protein change: p.Arg73Gln; replaces arginine 73 with glutamine.
Molecular consequence: missense variant.
Genome position (GRCh38, 1-based): chr12:112,908,573, G>A. VCF-style: chr12-112908573-G-A. GRCh37 (hg19) VCF-style: chr12-113346378-G-A.
Other names: c.218G>A, p.Arg73Gln (NM_001032409.3, NM_001320151.2, NM_002534.4); short protein forms R73Q.
Identifiers: ClinVar variation 1491397 (VCV001491397.6), dbSNP rs1263296332, ClinGen allele CA386800033.
Genomic context (GRCh38, chr12:112,908,573, plus strand): 5'-ATTATTTTTGTCGTCTTTTTCAGGGTGGCTCCTCAGGCAAGGGCACCACCCTCAGAGGCC[G>A]ATCTGACGCTGACCTGGTTGTCTTCCTCAGTCCTCTCACCACTTTTCAGGATCAGTTAAA-3'
Protein context (NP_058132.2, residues 63-83): SSGKGTTLRG[Arg73Gln]SDADLVVFLS